The following is an entry in ClinVar:

NM_000380.4(XPA):c.619C>T (p.Arg207Ter)

Gene: XPA (XPA, DNA damage recognition and repair factor; minus strand). Cytogenetic location: 9q22.33.
Variant type: single nucleotide variant.
Coding change: c.619C>T on transcript NM_000380.4 (MANE Select); coding-DNA position 619, C replaced by T.
Protein change: p.Arg207Ter; replaces arginine 207 with a stop codon.
Molecular consequence: nonsense. On other transcripts: non-coding transcript variant (5).
Genome position (GRCh38, 1-based): chr9:97,684,977, G>A on the plus strand (C>T on the coding strand, the complement: XPA is on the minus strand). VCF-style: chr9-97684977-G-A. GRCh37 (hg19) VCF-style: chr9-100447259-G-A.
Other names: NP_000371.1:p.Arg207X; c.493C>T, p.Arg165Ter (NM_001354975.2); short protein forms R207*, R165*.
Identifiers: ClinVar variation 996 (VCV000000996.21), dbSNP rs104894133, ClinGen allele CA251653.
Genomic context (GRCh38, chr9:97,684,977, plus strand): 5'-ATCTACCTTTTACTTTTTTATCAAATTTCTTCTGTTTCATTTTTTCTCGGTTTTCCTGTC[G>A]GACTTCCTTTGCTTCTTCTAATGCTTCTTGACTACCCCAAACTTCAAGAGACCTCTTCAC-3'

ClinVar aggregate classification (germline): Pathogenic. Review status: criteria provided, multiple submitters, no conflicts (2 of 4 stars). 12 submissions from 12 submitters: Pathogenic (10). 2 of the submissions do not count toward it. Last evaluated 2025-06-25.

Conditions:
Xeroderma pigmentosum (XP). Identifiers: Orphanet 910, MedGen C0043346, MONDO:0019600.
Xeroderma pigmentosum group A (XPA). Also called: XPA-Related Xeroderma Pigmentosum; Xeroderma pigmentosum, complementation group A; XP, group A. Identifiers: Orphanet 910, MedGen C0268135, MONDO:0010210, OMIM 278700.

Allele frequency attached by ClinVar (database versions not stated): ExAC 0.00002; gnomAD exomes 0.00002.
gnomAD v4.1: 23 of 1,612,906 alleles (0.0014%); highest among the groups gnomAD compares: East Asian, 0.0045%; no homozygotes.

Submissions (12):

First Genomix Gene Laboratory, Genetic Diagnostics Department
Classification: Pathogenic for Xeroderma pigmentosum group A. Last evaluated: 2025-06-25. Review status: criteria provided, single submitter. Criteria: ACMG Guidelines, 2015. Collection method: clinical testing. Allele origin: germline. Inheritance: Autosomal recessive inheritance. Affected: no.

GeneDx
Classification: Pathogenic. Last evaluated: 2025-02-20. Review status: criteria provided, single submitter. Criteria: GeneDx Variant Classification Process June 2021. Collection method: clinical testing. Allele origin: germline. Affected: yes.
Comment: Published functional studies demonstrated that R207X is associated with impaired function of the XPA protein as a processivity factor (PMID: 17349973); Nonsense variant predicted to result in protein truncation, as the last 67 amino acids are lost, and other loss-of-function variants have been reported downstream in HGMD; This variant is associated with the following publications: (PMID: 25525159, 26874523, 25913378, 22081045, 1372102, 27982466, 33672602, 31130284, 34234304, 30077970, 38178268, 17349973)

Fulgent Genetics
Classification: Pathogenic for Xeroderma pigmentosum group A. Last evaluated: 2024-06-17. Review status: criteria provided, single submitter. Criteria: ACMG Guidelines, 2015. Collection method: clinical testing. Allele origin: germline.

Genomic Medicine Center of Excellence, King Faisal Specialist Hospital and Research Centre
Classification: Pathogenic for Xeroderma pigmentosum, group A. Last evaluated: 2024-03-14. Review status: criteria provided, single submitter. Criteria: ACMG Guidelines, 2015. Collection method: clinical testing. Allele origin: germline.

Labcorp Genetics (formerly Invitae), Labcorp
Classification: Pathogenic. Last evaluated: 2024-01-28. Review status: criteria provided, single submitter. Criteria: Invitae Variant Classification Sherloc (09022015). Collection method: clinical testing. Allele origin: germline.
Comment: This sequence change creates a premature translational stop signal (p.Arg207*) in the XPA gene. It is expected to result in an absent or disrupted protein product. Loss-of-function variants in XPA are known to be pathogenic (PMID: 27607234). This variant is present in population databases (rs104894133, gnomAD 0.007%). This premature translational stop signal has been observed in individual(s) with xeroderma pigmentosum (PMID: 1372102, 9671271). ClinVar contains an entry for this variant (Variation ID: 996). For these reasons, this variant has been classified as Pathogenic.

Baylor Genetics
Classification: Pathogenic for Xeroderma pigmentosum group A. Last evaluated: 2023-11-28. Review status: criteria provided, single submitter. Criteria: ACMG Guidelines, 2015. Collection method: clinical testing. Allele origin: unknown.

3billion
Classification: Pathogenic for Xeroderma pigmentosum group A. Last evaluated: 2023-02-23. Review status: criteria provided, single submitter. Criteria: ACMG Guidelines, 2015. Collection method: clinical testing. Allele origin: unknown. Affected: yes.
Comment: The variant is observed at an extremely low frequency in the gnomAD v2.1.1 dataset (total allele frequency: 0.002%). This variant was predicted to result in a loss or disruption of normal protein function through nonsense-mediated decay (NMD) or protein truncation. Multiple pathogenic variants are reported downstream of the variant. The variant has been reported at least twice as pathogenic with clinical assertions and evidence for the classification (ClinVar ID: VCV000000996 / PMID: 1372102). Therefore, this variant is classified as Pathogenic according to the recommendation of ACMG/AMP guideline.

Women's Health and Genetics/Laboratory Corporation of America, LabCorp
Classification: Pathogenic for Xeroderma pigmentosum. Last evaluated: 2021-05-09. Review status: criteria provided, single submitter. Criteria: LabCorp Variant Classification Summary - May 2015. Collection method: clinical testing. Allele origin: germline.
Comment: Variant summary: XPA c.619C>T (p.Arg207X) results in a premature termination codon, predicted to cause a truncation of the encoded protein or absence of the protein due to nonsense mediated decay, which are commonly known mechanisms for disease. Truncations downstream of this position have been classified as pathogenic by our laboratory. The variant allele was found at a frequency of 2.4e-05 in 251098 control chromosomes. c.619C>T has been reported in the literature in multiple individuals affected with Xeroderma Pigmentosum (example, Satokata_1992, Messaoud_2012, Zhang_2017, Salomao_2018). These data indicate that the variant is very likely to be associated with disease. Four clinical diagnostic laboratories have submitted clinical-significance assessments for this variant to ClinVar after 2014 without evidence for independent evaluation. All laboratories classified the variant as pathogenic. Based on the evidence outlined above, the variant was classified as pathogenic.

Institute of Medical Genetics and Applied Genomics, University Hospital Tübingen
Classification: Pathogenic. Last evaluated: 2021-02-01. Review status: criteria provided, single submitter. Criteria: ACMG Guidelines, 2015. Collection method: clinical testing. Allele origin: germline. Inheritance: Autosomal recessive inheritance. Affected: yes.

Medical Molecular Genetics Department, National Research Center
Classification: Pathogenic for Xeroderma pigmentosum group A. Last evaluated: 2015-12-01. Review status: criteria provided, single submitter. Criteria: ACMG Guidelines, 2015. Collection method: research. Allele origin: germline. Inheritance: Autosomal recessive inheritance. Affected: yes. Observed: 4 variant alleles, 4 homozygotes.

Counsyl
Classification: Pathogenic for Xeroderma pigmentosum group A. Last evaluated: 2017-11-02. Review status: no assertion criteria provided. Collection method: clinical testing. Allele origin: unknown. Not counted in ClinVar's aggregate classification.

OMIM
Classification: Pathogenic for XERODERMA PIGMENTOSUM, COMPLEMENTATION GROUP A. Last evaluated: 1992-03-01. Review status: no assertion criteria provided. Collection method: literature only. Allele origin: germline. Not counted in ClinVar's aggregate classification.

Literature cited by the submitters: PubMed 27607234 (cited by Labcorp Genetics (formerly Invitae), Labcorp); PubMed 1372102 (cited by 5 submitters); PubMed 9671271 (cited by Labcorp Genetics (formerly Invitae), Labcorp and Counsyl); PubMed 22081045 (cited by Women's Health and Genetics/Laboratory Corporation of America, LabCorp); PubMed 30077970 (cited by Women's Health and Genetics/Laboratory Corporation of America, LabCorp); PubMed 27982466 (cited by Women's Health and Genetics/Laboratory Corporation of America, LabCorp and Counsyl); PubMed 16491090 (cited by Counsyl).